The following is an entry in ClinVar:

NM_152416.4(NDUFAF6):c.29G>A (p.Trp10Ter)

Genes: NDUFAF6 (NADH:ubiquinone oxidoreductase complex assembly factor 6; plus strand), LOC113788297 (Sharpr-MPRA regulatory region 2014; plus strand). Cytogenetic location: 8q22.1.
Variant type: single nucleotide variant.
Coding change: c.29G>A on transcript NM_152416.4 (MANE Select); coding-DNA position 29, G replaced by A.
Protein change: p.Trp10Ter; replaces tryptophan 10 with a stop codon.
Molecular consequence: nonsense. On other transcripts: 5 prime UTR variant (12), non-coding transcript variant (6), intron variant (7).
Genome position (GRCh38, 1-based): chr8:95,025,037, G>A. VCF-style: chr8-95025037-G-A. GRCh37 (hg19) VCF-style: chr8-96037265-G-A.
Other names: c.-252G>A (NM_001330582.2, NM_001354521.2); c.-205G>A (NM_001354517.2); c.-424G>A (NM_001354518.2); c.-420G>A (NM_001354519.2); c.-769G>A (NM_001354527.2); c.-740G>A (NM_001354528.2); c.-552G>A (NM_001354529.2); c.-654G>A (NM_001354530.2); and 9 more; short protein forms W10*.
Identifiers: ClinVar variation 1419720 (VCV001419720.7), dbSNP rs756507716, ClinGen allele CA4814666.
Genomic context (GRCh38, chr8:95,025,037, plus strand): 5'-CGGGGGGTCGAAGGGCACGCAGTGCCGGCGTCATGGCGGCCTCCGCGCACGGCTCTGTCT[G>A]GGGGCCGTTGCGGCTTGGCATCCCCGGCCTGTGCTGCCGCCGGCCGCCTCTGGGTCTGTA-3'

ClinVar aggregate classification (germline): Pathogenic/Likely pathogenic. Review status: criteria provided, multiple submitters, no conflicts (2 of 4 stars). 2 submissions from 2 submitters: Pathogenic (1); Likely pathogenic (1). Last evaluated 2024-06-22.

Allele frequency attached by ClinVar (database versions not stated): gnomAD exomes 0.00002; ExAC 0.00036.
gnomAD v4.1: 17 of 1,413,492 alleles (0.0012%); highest among the groups gnomAD compares: African/African-American, 0.003%; no homozygotes.

Submissions (2):

GeneDx
Classification: Likely pathogenic. Last evaluated: 2024-06-22. Review status: criteria provided, single submitter. Criteria: GeneDx Variant Classification Process June 2021. Collection method: clinical testing. Allele origin: germline. Affected: yes.
Comment: Nonsense variant predicted to result in protein truncation or nonsense mediated decay in a gene for which loss of function is a known mechanism of disease; Not observed at significant frequency in large population cohorts (gnomAD); Has not been previously published as pathogenic or benign to our knowledge; This variant is associated with the following publications: (PMID: 27535533)

Labcorp Genetics (formerly Invitae), Labcorp
Classification: Pathogenic. Last evaluated: 2022-07-19. Review status: criteria provided, single submitter. Criteria: Invitae Variant Classification Sherloc (09022015). Collection method: clinical testing. Allele origin: germline.
Comment: For these reasons, this variant has been classified as Pathogenic. Algorithms developed to predict the effect of sequence changes on RNA splicing suggest that this variant may create or strengthen a splice site. ClinVar contains an entry for this variant (Variation ID: 1419720). This variant has not been reported in the literature in individuals affected with NDUFAF6-related conditions. The frequency data for this variant in the population databases is considered unreliable, as metrics indicate poor data quality at this position in the gnomAD database. This sequence change creates a premature translational stop signal (p.Trp10*) in the NDUFAF6 gene. It is expected to result in an absent or disrupted protein product. Loss-of-function variants in NDUFAF6 are known to be pathogenic (PMID: 28639102, 30642748).

Literature cited by the submitters: PubMed 28639102 (cited by Labcorp Genetics (formerly Invitae), Labcorp); PubMed 30642748 (cited by Labcorp Genetics (formerly Invitae), Labcorp).